The following is an entry in ClinVar:

ClinVar aggregate classification (germline): Uncertain significance (1 of 4 stars; one submission).

Conditions:
Cardiovascular phenotype. Identifiers: MedGen CN230736.

gnomAD v4.1: 2 of 1,609,016 alleles (0.00012%); highest among the groups gnomAD compares: Non-Finnish European, 0.00017%; no homozygotes.

Submission:

Ambry Genetics
Classification: Uncertain significance for Cardiovascular phenotype. Last evaluated: 2024-05-02. Review status: criteria provided, single submitter. Criteria: Ambry Variant Classification Scheme 2023. Collection method: clinical testing. Allele origin: germline.
Comment: The p.A1067E variant (also known as c.3200C>A), located in coding exon 25 of the CACNA1C gene, results from a C to A substitution at nucleotide position 3200. The alanine at codon 1067 is replaced by glutamic acid, an amino acid with dissimilar properties. This amino acid position is well conserved in available vertebrate species. In addition, the in silico prediction for this alteration is inconclusive. Based on the available evidence, the clinical significance of this variant remains unclear.

NM_000719.7(CACNA1C):c.3200C>A (p.Ala1067Glu)

Gene: CACNA1C (calcium voltage-gated channel subunit alpha1 C; plus strand). Cytogenetic location: 12p13.33.
Variant type: single nucleotide variant.
Coding change: c.3200C>A on transcript NM_000719.7 (MANE Select); coding-DNA position 3200, C replaced by A.
Protein change: p.Ala1067Glu; replaces alanine 1067 with glutamic acid.
Molecular consequence: missense variant.
Genome position (GRCh38, 1-based): chr12:2,606,654, C>A. VCF-style: chr12-2606654-C-A. GRCh37 (hg19) VCF-style: chr12-2715820-C-A.
Other names: c.3260C>A, p.Ala1087Glu (NM_001129827.2, NM_001129832.2, NM_199460.4); c.3200C>A, p.Ala1067Glu (NM_001129829.2, NM_001129830.3, NM_001129831.2 and 15 more transcripts); c.3191C>A, p.Ala1064Glu (NM_001129844.2); short protein forms A1067E, A1087E, A1064E.
Identifiers: ClinVar variation 3262717 (VCV003262717.1).